The following is an entry in ClinVar:

ClinVar aggregate classification (germline): Uncertain significance (1 of 4 stars; one submission).

Conditions:
Neurofibromatosis, familial spinal (FSNF). Identifiers: Orphanet 636, MedGen C1834235, MONDO:0008078, OMIM 162210. Disease mechanism: loss of function.
Neurofibromatosis-Noonan syndrome (NFNS). Also called: NEUROFIBROMATOSIS WITH NOONAN PHENOTYPE. Identifiers: Orphanet 638, MedGen C2931482, MONDO:0011035, OMIM 601321. Disease mechanism: loss of function.
Neurofibromatosis, type 1 (NF1). Also called: Neurofibromatosis, type I; VON RECKLINGHAUSEN DISEASE; NEUROFIBROMATOSIS, TYPE I, SOMATIC; Peripheral type neurofibromatosis. Identifiers: Orphanet 636, MedGen C0027831, MONDO:0018975, OMIM 162200. Disease mechanism: loss of function.
Café-au-lait macules with pulmonary stenosis (WTSN). Also called: PULMONIC STENOSIS WITH CAFE-AU-LAIT SPOTS. Identifiers: MedGen C0553586, MONDO:0008672, OMIM 193520.
Juvenile myelomonocytic leukemia (JMML). Also called: LEUKEMIA, JUVENILE MYELOMONOCYTIC, SOMATIC. Identifiers: Orphanet 86834, MedGen C0349639, MONDO:0011908, OMIM 607785, HP:0012209.

Submission:

Juno Genomics, Hangzhou Juno Genomics, Inc
Classification: Uncertain significance for Neurofibromatosis, type 1; Juvenile myelomonocytic leukemia; Neurofibromatosis, familial spinal; Neurofibromatosis-Noonan syndrome; Café-au-lait macules with pulmonary stenosis. Review status: criteria provided, single submitter. Criteria: ACMG Guidelines, 2015. Collection method: clinical testing. Allele origin: germline. Affected: yes.
Comment: Absent from controls (or at extremely low frequency if recessive) in Genome Aggregation Database, Exome Sequencing Project, 1000 Genomes Project, or Exome Aggregation Consortium.;Protein length changes due to in-frame deletions/insertions in a non-repeat region or stop-loss variants.;Patient's phenotype or family history is highly specific for a disease with a single genetic etiology.

NM_001042492.3(NF1):c.5278_5283del (p.Thr1760_Ala1761del)

Gene: NF1 (neurofibromin 1; plus strand). Cytogenetic location: 17q11.2.
Variant type: Deletion.
Coding change: c.5278_5283del on transcript NM_001042492.3 (MANE Select); coding-DNA positions 5278 to 5283, 6 bases deleted (ACTGCT; older notation c.5278_5283delACTGCT).
Protein change: p.Thr1760_Ala1761del.
Molecular consequence: inframe deletion. On other transcripts: inframe indel (1).
Genome position (GRCh38, 1-based): chr17:31,327,508-31,327,513, ACTGCT deleted; deleting any 6 consecutive bases within chr17:31,327,506-31,327,513 gives the same sequence; the c. name uses the placement nearest the transcript's 3' end. VCF-style (leftmost placement, unchanged base first): chr17-31327505-TCTACTG-T. GRCh37 (hg19) VCF-style: chr17-29654523-TCTACTG-T.
Other names: c.5215_5220delACTGCT, p.Thr1739_Ala1740del (NM_000267.4).
Identifiers: ClinVar variation 3382484 (VCV003382484.2).